The following is an entry in ClinVar:

ClinVar aggregate classification (germline): Likely benign (1 of 4 stars; one submission).

Allele frequency attached by ClinVar (database versions not stated): gnomAD exomes 0.00004; TOPMed 0.00004; gnomAD 0.00005 and 0.00006.
gnomAD v4.1: 96 of 1,411,216 alleles (0.0068%); highest among the groups gnomAD compares: Non-Finnish European, 0.0084%; no homozygotes.

Submission:

GeneDx
Classification: Likely benign. Last evaluated: 2017-02-16. Review status: criteria provided, single submitter. Criteria: GeneDx Variant Classification (06012015). Collection method: clinical testing. Allele origin: germline. Affected: yes.
Comment: This variant is considered likely benign or benign based on one or more of the following criteria: it is a conservative change, it occurs at a poorly conserved position in the protein, it is predicted to be benign by multiple in silico algorithms, and/or has population frequency not consistent with disease.

NM_001127222.2(CACNA1A):c.-34G>T

Gene: CACNA1A (calcium voltage-gated channel subunit alpha1 A; minus strand). Cytogenetic location: 19p13.13.
Variant type: single nucleotide variant.
Coding change: c.-34G>T on transcript NM_001127222.2 (MANE Select); 34 bases upstream of the start codon, G replaced by T.
Molecular consequence: 5 prime UTR variant.
Genome position (GRCh38, 1-based): chr19:13,506,258, C>A on the plus strand (G>T on the coding strand, the complement: CACNA1A is on the minus strand). VCF-style: chr19-13506258-C-A. GRCh37 (hg19) VCF-style: chr19-13617072-C-A.
Other names: c.-34G>T (NM_000068.4, NM_001127221.2, NM_001174080.2 and 1 more transcripts).
Identifiers: ClinVar variation 507424 (VCV000507424.1), dbSNP rs897702047, ClinGen allele CA305562851.
Genomic context (GRCh38, chr19:13,506,258, plus strand): 5'-CGGCATCTCGTCTCCGAAGCGGGCCATTCTGCAAAGAGCAAAGGGCTCCGGGTTACGCTG[C>A]GGCGAACGATGCGGAAGACGCCGCCGCCGCCGCCGCCGCCGCTGATGCTGAGGCTGCCGG-3'